The following is an entry in ClinVar:

NM_001384140.1(PCDH15):c.92-528C>T

Genes: PCDH15 (protocadherin related 15; minus strand), LOC105378311 (uncharacterized LOC105378311; plus strand). Cytogenetic location: 10q21.1.
Variant type: single nucleotide variant.
Coding change: c.92-528C>T on transcript NM_001384140.1 (MANE Select); 528 bases into the intron before coding-DNA position 92, C replaced by T.
Molecular consequence: intron variant.
Genome position (GRCh38, 1-based): chr10:54,528,405, G>A on the plus strand (C>T on the coding strand, the complement: PCDH15 is on the minus strand). VCF-style: chr10-54528405-G-A. GRCh37 (hg19) VCF-style: chr10-56288165-G-A.
Other names: c.92-528C>T (NM_001354420.2, NM_001354429.2, NM_001142772.2 and 8 more transcripts); c.92-3C>T (NM_001142771.2, NM_001142769.3, NM_001142763.2); c.91+135767C>T (NM_001354404.2, NM_001142773.2, NM_001142768.2).
Identifiers: ClinVar variation 932235 (VCV000932235.3), dbSNP rs190773725, ClinGen allele CA5506817.

ClinVar aggregate classification (germline): Uncertain significance. Review status: criteria provided, single submitter (1 of 4 stars). 2 submissions from 2 submitters: Uncertain significance (1). 1 of the submissions does not count toward it. Last evaluated 2023-01-24.

Conditions:
Usher syndrome type 1F (USH1F). Also called: USHER SYNDROME, TYPE IF. Identifiers: Orphanet 231169, Orphanet 886, MedGen C1865885, MONDO:0011186, OMIM 602083.
Usher syndrome type 1D (USH1D). Also called: USHER SYNDROME, TYPE ID. Identifiers: Orphanet 231169, Orphanet 886, MedGen C1832845, MONDO:0010984, OMIM 601067.

Allele frequency attached by ClinVar (database versions not stated): gnomAD exomes below 0.00001 and 0.00001; gnomAD 0.00002 and 0.00001; ExAC 0.00003; 1000 Genomes Project 30x 0.00016; TOPMed 0.00001; 1000 Genomes Project 0.00020.
gnomAD v4.1: 5 of 1,574,028 alleles (0.00032%); highest among the groups gnomAD compares: African/African-American, 0.0068%; no homozygotes.

Submissions (2):

Broad Center for Mendelian Genomics, Broad Institute of MIT and Harvard
Classification: Uncertain significance for Usher syndrome type 1F. Last evaluated: 2023-01-24. Review status: criteria provided, single submitter. Criteria: ACMG Guidelines, 2015. Collection method: curation. Allele origin: germline. Inheritance: Autosomal recessive inheritance.
Comment: The c.92-528C>T variant in PCDH15 has been reported in 1 individual with Usher syndrome type 1F (PMID: 33089500), and has been identified in 0.01% (3/20342) of African/African American chromosomes by the Genome Aggregation Database (gnomAD; dbSNP ID: rs190773725). Although this variant has been seen in the general population in a heterozygous state, its frequency is not high enough to rule out a pathogenic role. This variant has also been reported in ClinVar (Variation ID#: 932235) and has been interpreted as pathogenic by National Institute on Deafness and Communication Disorders (National Institutes of Health). This variant is located in the 5' splice region. Computational tools do not suggest an impact to splicing. However, this information is not predictive enough to rule out pathogenicity. In summary, the clinical significance of the c.92-528C>T variant is uncertain. ACMG/AMP Criteria applied: none (Richards 2015).

National Institute on Deafness and Communication Disorders, National Institutes of Health
Classification: Pathogenic for Usher syndrome type 1D. Last evaluated: 2019-12-10. Review status: no assertion criteria provided. Collection method: research. Allele origin: germline. Affected: yes. Observed: 1 compound heterozygote. Segregation with disease observed. Not counted in ClinVar's aggregate classification.